The following is an entry in ClinVar:

NM_001184.4(ATR):c.4165G>T (p.Asp1389Tyr)

Gene: ATR (ATR checkpoint kinase; minus strand). Cytogenetic location: 3q23.
Variant type: single nucleotide variant.
Coding change: c.4165G>T on transcript NM_001184.4 (MANE Select); coding-DNA position 4165, G replaced by T.
Protein change: p.Asp1389Tyr; replaces aspartic acid 1389 with tyrosine.
Molecular consequence: missense variant.
Genome position (GRCh38, 1-based): chr3:142,522,829, C>A on the plus strand (G>T on the coding strand, the complement: ATR is on the minus strand). VCF-style: chr3-142522829-C-A. GRCh37 (hg19) VCF-style: chr3-142241671-C-A.
Other names: c.3973G>T, p.Asp1325Tyr (NM_001354579.2); short protein forms D1389Y, D1325Y.
Identifiers: ClinVar variation 1738369 (VCV001738369.2), dbSNP rs2108396175, ClinGen allele CA354801614.

ClinVar aggregate classification (germline): Uncertain significance (1 of 4 stars; one submission).

Conditions:
Inborn genetic diseases. Identifiers: MedGen C0950123, MeSH D030342.

Submission:

Ambry Genetics
Classification: Uncertain significance for Inborn genetic diseases. Last evaluated: 2021-12-10. Review status: criteria provided, single submitter. Criteria: Ambry Variant Classification Scheme 2023. Collection method: clinical testing. Allele origin: germline.
Comment: The p.D1389Y variant (also known as c.4165G>T), located in coding exon 23 of the ATR gene, results from a G to T substitution at nucleotide position 4165. The aspartic acid at codon 1389 is replaced by tyrosine, an amino acid with highly dissimilar properties. This amino acid position is conserved. In addition, the in silico prediction for this alteration is inconclusive. Since supporting evidence is limited at this time, the clinical significance of this alteration remains unclear.